The following is an entry in ClinVar:

ClinVar aggregate classification (germline): Uncertain significance. Review status: criteria provided, multiple submitters, no conflicts (2 of 4 stars). 2 submissions from 2 submitters: Uncertain significance (2). Last evaluated 2026-01-19.

Conditions:
Emery-Dreifuss muscular dystrophy 5, autosomal dominant (EDMD5). Also called: EMERY-DREIFUSS MUSCULAR DYSTROPHY 5. Identifiers: Orphanet 261, MedGen C2751805, MONDO:0013072, OMIM 612999.

Allele frequency attached by ClinVar (database versions not stated): gnomAD exomes 0.00001 and 0.00002; gnomAD 0.00002; ExAC 0.00003; TOPMed 0.00004.
gnomAD v4.1: 24 of 1,613,604 alleles (0.0015%); highest among the groups gnomAD compares: African/African-American, 0.004%; 1 homozygote.

Submissions (2):

Labcorp Genetics (formerly Invitae), Labcorp
Classification: Uncertain significance for Emery-Dreifuss muscular dystrophy 5, autosomal dominant. Last evaluated: 2026-01-19. Review status: criteria provided, single submitter. Criteria: Invitae Variant Classification Sherloc (09022015). Collection method: clinical testing. Allele origin: germline.
Comment: This sequence change replaces asparagine, which is neutral and polar, with aspartic acid, which is acidic and polar, at codon 2441 of the SYNE2 protein (p.Asn2441Asp). This variant is present in population databases (rs754057512, gnomAD 0.008%). This missense change has been observed in individual(s) with clinical features of SYNE2-related conditions (internal data). ClinVar contains an entry for this variant (Variation ID: 646157). An algorithm developed to predict the effect of missense changes on protein structure and function outputs the following: PolyPhen-2: "Benign". The aspartic acid amino acid residue is found in multiple mammalian species, which suggests that this missense change does not adversely affect protein function. In summary, the available evidence is currently insufficient to determine the role of this variant in disease. Therefore, it has been classified as a Variant of Uncertain Significance.

Ambry Genetics
Classification: Uncertain significance. Last evaluated: 2024-04-23. Review status: criteria provided, single submitter. Criteria: Ambry Variant Classification Scheme 2023. Collection method: clinical testing. Allele origin: germline.

NM_182914.3(SYNE2):c.7321A>G (p.Asn2441Asp)

Gene: SYNE2 (spectrin repeat containing nuclear envelope protein 2; plus strand). Cytogenetic location: 14q23.2.
Variant type: single nucleotide variant.
Coding change: c.7321A>G on transcript NM_182914.3 (MANE Select); coding-DNA position 7321, A replaced by G.
Protein change: p.Asn2441Asp; replaces asparagine 2441 with aspartic acid.
Molecular consequence: missense variant.
Genome position (GRCh38, 1-based): chr14:64,048,099, A>G. VCF-style: chr14-64048099-A-G. GRCh37 (hg19) VCF-style: chr14-64514817-A-G.
Other names: c.7321A>G, p.Asn2441Asp (NM_015180.6); short protein forms N2441D.
Identifiers: ClinVar variation 646157 (VCV000646157.11), dbSNP rs754057512, ClinGen allele CA7220899.